The following is an entry in ClinVar:

NM_001288705.3(CSF1R):c.2654+6C>T

Gene: CSF1R (colony stimulating factor 1 receptor; minus strand). Cytogenetic location: 5q32.
Variant type: single nucleotide variant.
Coding change: c.2654+6C>T on transcript NM_001288705.3 (MANE Select); 6 bases into the intron after coding-DNA position 2654, C replaced by T.
Molecular consequence: intron variant.
Genome position (GRCh38, 1-based): chr5:150,055,231, G>A on the plus strand (C>T on the coding strand, the complement: CSF1R is on the minus strand). VCF-style: chr5-150055231-G-A. GRCh37 (hg19) VCF-style: chr5-149434794-G-A.
Other names: c.2210+6C>T (NM_001375321.1); c.2654+6C>T (NM_005211.4, NM_001375320.1, NM_001349736.2).
Identifiers: ClinVar variation 2162920 (VCV002162920.5), dbSNP rs200924654, ClinGen allele CA3506396.

ClinVar aggregate classification (germline): Conflicting classifications of pathogenicity. Review status: criteria provided, conflicting classifications (1 of 4 stars). 2 submissions from 2 submitters: Uncertain significance (1); Likely benign (1). Last evaluated 2024-10-31.

Allele frequency attached by ClinVar (database versions not stated): ExAC 0.00007; ESP Exome Variant Server 0.00015; 1000 Genomes Project 30x 0.00016; 1000 Genomes Project 0.00020.
gnomAD v4.1: 82 of 1,612,992 alleles (0.0051%); highest among the groups gnomAD compares: South Asian, 0.04%; 1 homozygote.

Submissions (2):

Blueprint Genetics
Classification: Likely benign. Last evaluated: 2024-10-31. Review status: criteria provided, single submitter. Criteria: ACMG Guidelines, 2015. Collection method: clinical testing. Allele origin: germline.

Labcorp Genetics (formerly Invitae), Labcorp
Classification: Uncertain significance. Last evaluated: 2024-09-12. Review status: criteria provided, single submitter. Criteria: Invitae Variant Classification Sherloc (09022015). Collection method: clinical testing. Allele origin: germline.
Comment: This sequence change falls in intron 20 of the CSF1R gene. It does not directly change the encoded amino acid sequence of the CSF1R protein. It affects a nucleotide within the consensus splice site. This variant is present in population databases (rs200924654, gnomAD 0.05%). This variant has not been reported in the literature in individuals affected with CSF1R-related conditions. ClinVar contains an entry for this variant (Variation ID: 2162920). Variants that disrupt the consensus splice site are a relatively common cause of aberrant splicing (PMID: 17576681, 9536098). Algorithms developed to predict the effect of sequence changes on RNA splicing suggest that this variant is not likely to affect RNA splicing. In summary, the available evidence is currently insufficient to determine the role of this variant in disease. Therefore, it has been classified as a Variant of Uncertain Significance.

Literature cited by the submitters: PubMed 17576681 (cited by Labcorp Genetics (formerly Invitae), Labcorp); PubMed 9536098 (cited by Labcorp Genetics (formerly Invitae), Labcorp).